The following is an entry in ClinVar:

ClinVar aggregate classification (germline): Pathogenic (1 of 4 stars; one submission).

Conditions:
KBG syndrome (KBGS). Also called: ANKRD11-Related KBG Syndrome. Identifiers: Orphanet 2332, MedGen C0220687, MONDO:0007846, OMIM 148050.

Submission:

Baylor Genetics
Classification: Pathogenic for KBG syndrome. Last evaluated: 2018-02-06. Review status: criteria provided, single submitter. Criteria: ACMG Guidelines, 2015. Collection method: clinical testing. Allele origin: maternal. Affected: yes.
Comment: This variant was determined to be pathogenic according to ACMG Guidelines, 2015 [PMID:25741868].

NM_013275.6(ANKRD11):c.2793dup (p.Gly932fs)

Gene: ANKRD11 (ankyrin repeat domain 11; minus strand). Cytogenetic location: 16q24.3.
Variant type: Duplication.
Coding change: c.2793dup on transcript NM_013275.6 (MANE Select); coding-DNA position 2793, one base duplicated (T; older notation c.2793dupT).
Protein change: p.Gly932fs; shifts the reading frame from glycine 932.
Molecular consequence: frameshift variant.
Genome position (GRCh38, 1-based): chr16:89,283,749, A duplicated on the plus strand (T on the coding strand, the reverse complement: ANKRD11 is on the minus strand). VCF-style (leftmost placement, unchanged base first): chr16-89283748-C-CA. GRCh37 (hg19) VCF-style: chr16-89350156-C-CA.
Other names: c.2793dup, p.Gly932fs (NM_001256182.2, NM_001256183.2); short protein forms G932fs.
Identifiers: ClinVar variation 1031765 (VCV001031765.1), dbSNP rs2034450158, ClinGen allele CA2241601932.